The following is an entry in ClinVar:

NM_212482.4(FN1):c.7266C>A (p.Asp2422Glu)

Genes: ATIC (5-aminoimidazole-4-carboxamide ribonucleotide formyltransferase/IMP cyclohydrolase; plus strand), FN1 (fibronectin 1; minus strand). Cytogenetic location: 2q35.
Variant type: single nucleotide variant.
Coding change: c.7266C>A on transcript NM_212482.4 (MANE Select); coding-DNA position 7266, C replaced by A.
Protein change: p.Asp2422Glu; replaces aspartic acid 2422 with glutamic acid.
Molecular consequence: missense variant.
Genome position (GRCh38, 1-based): chr2:215,362,065, G>T on the plus strand (C>A on the coding strand, the complement: FN1 is on the minus strand). VCF-style: chr2-215362065-G-T. GRCh37 (hg19) VCF-style: chr2-216226788-G-T.
Other names: c.7173C>A, p.Asp2391Glu (NM_001306129.2); c.6636C>A, p.Asp2212Glu (NM_001306130.2); c.6900C>A, p.Asp2300Glu (NM_002026.4); c.6363C>A, p.Asp2121Glu (NM_212474.3); c.6723C>A, p.Asp2241Glu (NM_212476.3); c.6825C>A, p.Asp2275Glu (NM_212478.3); c.6630C>A, p.Asp2210Glu (NM_001306131.2); c.6555C>A, p.Asp2185Glu (NM_001306132.2); and 8 more; short protein forms D2121E, D2185E, D2212E, D2216E, D2241E, D2276E, D2306E, D2211E.
Identifiers: ClinVar variation 3016131 (VCV003016131.3), dbSNP rs150636748, ClinGen allele CA64834332.

ClinVar aggregate classification (germline): Uncertain significance (1 of 4 stars; one submission).

Allele frequency attached by ClinVar (database versions not stated): gnomAD 0.00001; TOPMed 0.00002; ESP Exome Variant Server 0.00008.
gnomAD v4.1: 19 of 1,613,814 alleles (0.0012%); highest among the groups gnomAD compares: Non-Finnish European, 0.0015%; no homozygotes.

Submission:

Labcorp Genetics (formerly Invitae), Labcorp
Classification: Uncertain significance. Last evaluated: 2024-10-06. Review status: criteria provided, single submitter. Criteria: Invitae Variant Classification Sherloc (09022015). Collection method: clinical testing. Allele origin: germline.
Comment: This sequence change replaces aspartic acid, which is acidic and polar, with glutamic acid, which is acidic and polar, at codon 2422 of the FN1 protein (p.Asp2422Glu). This variant is not present in population databases (gnomAD no frequency). This variant has not been reported in the literature in individuals affected with FN1-related conditions. An algorithm developed to predict the effect of missense changes on protein structure and function (PolyPhen-2) suggests that this variant is likely to be disruptive. In summary, the available evidence is currently insufficient to determine the role of this variant in disease. Therefore, it has been classified as a Variant of Uncertain Significance.